The following is an entry in ClinVar:

ClinVar aggregate classification (germline): Likely benign. Review status: criteria provided, multiple submitters, no conflicts (2 of 4 stars). 2 submissions from 2 submitters: Likely benign (2). Last evaluated 2026-03-01.

Allele frequency attached by ClinVar (database versions not stated): ExAC 0.00001; gnomAD exomes 0.00001.
gnomAD v4.1: 4 of 1,614,154 alleles (0.00025%); highest among the groups gnomAD compares: Admixed American, 0.005%; no homozygotes.

Submissions (2):

CeGaT Center for Human Genetics Tuebingen
Classification: Likely benign. Last evaluated: 2026-03-01. Review status: criteria provided, single submitter. Criteria: CeGaT Center For Human Genetics Tuebingen Variant Classification Criteria Version 2. Collection method: clinical testing. Allele origin: germline. Affected: yes. Observed: 1 variant allele.
Comment: DENND5A: BP4, BP7

Labcorp Genetics (formerly Invitae), Labcorp
Classification: Likely benign. Last evaluated: 2025-09-14. Review status: criteria provided, single submitter. Criteria: Invitae Variant Classification Sherloc (09022015). Collection method: clinical testing. Allele origin: germline.

NM_015213.4(DENND5A):c.2907C>T (p.Ser969=)

Gene: DENND5A (DENN domain containing 5A; minus strand). Cytogenetic location: 11p15.4.
Variant type: single nucleotide variant.
Coding change: c.2907C>T on transcript NM_015213.4 (MANE Select); coding-DNA position 2907, C replaced by T.
Protein change: p.Ser969=; no amino-acid change (serine 969 retained).
Molecular consequence: synonymous variant. On other transcripts: non-coding transcript variant (1).
Genome position (GRCh38, 1-based): chr11:9,145,766, G>A on the plus strand (C>T on the coding strand, the complement: DENND5A is on the minus strand). VCF-style: chr11-9145766-G-A. GRCh37 (hg19) VCF-style: chr11-9167313-G-A.
Other names: c.2907C>T, p.Ser969= (NM_001243254.2, NM_001348748.1); c.2835C>T, p.Ser945= (NM_001348749.2); c.2619C>T, p.Ser873= (NM_001348750.2).
Identifiers: ClinVar variation 1908079 (VCV001908079.9), dbSNP rs762748095, ClinGen allele CA5877186.